The following is an entry in ClinVar:

ClinVar aggregate classification (germline): Uncertain significance. Review status: criteria provided, multiple submitters, no conflicts (2 of 4 stars). 2 submissions from 2 submitters: Uncertain significance (2). Last evaluated 2025-11-03.

Allele frequency attached by ClinVar (database versions not stated): gnomAD 0.00009; TOPMed 0.00013; gnomAD exomes below 0.00001; ExAC 0.00004.
gnomAD v4.1: 19 of 1,613,366 alleles (0.0012%); highest among the groups gnomAD compares: African/African-American, 0.024%; no homozygotes.

Submissions (2):

Ambry Genetics
Classification: Uncertain significance. Last evaluated: 2025-11-03. Review status: criteria provided, single submitter. Criteria: Ambry Variant Classification Scheme 2023. Collection method: clinical testing. Allele origin: germline.

Labcorp Genetics (formerly Invitae), Labcorp
Classification: Uncertain significance. Last evaluated: 2022-07-12. Review status: criteria provided, single submitter. Criteria: Invitae Variant Classification Sherloc (09022015). Collection method: clinical testing. Allele origin: germline.
Comment: This sequence change replaces proline, which is neutral and non-polar, with serine, which is neutral and polar, at codon 1135 of the CACNA1B protein (p.Pro1135Ser). This variant is present in population databases (rs763882338, gnomAD 0.02%). This variant has not been reported in the literature in individuals affected with CACNA1B-related conditions. Advanced modeling of protein sequence and biophysical properties (such as structural, functional, and spatial information, amino acid conservation, physicochemical variation, residue mobility, and thermodynamic stability) performed at Invitae indicates that this missense variant is not expected to disrupt CACNA1B protein function. In summary, the available evidence is currently insufficient to determine the role of this variant in disease. Therefore, it has been classified as a Variant of Uncertain Significance.

NM_000718.4(CACNA1B):c.3403C>T (p.Pro1135Ser)

Genes: CACNA1B (calcium voltage-gated channel subunit alpha1 B; plus strand), LOC101928786 (uncharacterized LOC101928786; minus strand). Cytogenetic location: 9q34.3.
Variant type: single nucleotide variant.
Coding change: c.3403C>T on transcript NM_000718.4 (MANE Select); coding-DNA position 3403, C replaced by T.
Protein change: p.Pro1135Ser; replaces proline 1135 with serine.
Molecular consequence: missense variant.
Genome position (GRCh38, 1-based): chr9:138,043,890, C>T. VCF-style: chr9-138043890-C-T. GRCh37 (hg19) VCF-style: chr9-140938342-C-T.
Other names: c.3403C>T (NM_000718.3); c.3403C>T, p.Pro1135Ser (NM_001243812.2); short protein forms P1135S.
Identifiers: ClinVar variation 2413753 (VCV002413753.4), dbSNP rs763882338, ClinGen allele CA5376646.